The following is an entry in ClinVar:

NM_000492.4(CFTR):c.1186A>T (p.Asn396Tyr)

Gene: CFTR (CF transmembrane conductance regulator; plus strand). Cytogenetic location: 7q31.2.
Variant type: single nucleotide variant.
Coding change: c.1186A>T on transcript NM_000492.4 (MANE Select); coding-DNA position 1186, A replaced by T.
Protein change: p.Asn396Tyr; replaces asparagine 396 with tyrosine.
Molecular consequence: missense variant.
Genome position (GRCh38, 1-based): chr7:117,542,085, A>T. VCF-style: chr7-117542085-A-T. GRCh37 (hg19) VCF-style: chr7-117182139-A-T.
Other names: short protein forms N396Y.
Identifiers: ClinVar variation 411126 (VCV000411126.12), dbSNP rs753143757, ClinGen allele CA4450917.

ClinVar aggregate classification (germline): Uncertain significance. Review status: criteria provided, multiple submitters, no conflicts (2 of 4 stars). 4 submissions from 4 submitters: Uncertain significance (3). 1 of the submissions does not count toward it. Last evaluated 2025-12-01.

Conditions:
CFTR-related disorder (CFTR-RD). Also called: CFTR-related disorders; CFTR-related condition. Identifiers: MedGen C5924204, MONDO:7770004.
Cystic fibrosis (CF). Also called: MUCOVISCIDOSIS. Identifiers: Orphanet 586, MedGen C0010674, MONDO:0009061, OMIM 219700. Disease mechanism: loss of function.

Allele frequency attached by ClinVar (database versions not stated): gnomAD exomes 0.00002; ExAC 0.00003.
gnomAD v4.1: 19 of 1,596,552 alleles (0.0012%); highest among the groups gnomAD compares: South Asian, 0.019%; no homozygotes.

Submissions (4):

CeGaT Center for Human Genetics Tuebingen
Classification: Uncertain significance. Last evaluated: 2025-12-01. Review status: criteria provided, single submitter. Criteria: CeGaT Center For Human Genetics Tuebingen Variant Classification Criteria Version 2. Collection method: clinical testing. Allele origin: germline. Affected: yes. Observed: 1 variant allele.
Comment: CFTR: PM2

Labcorp Genetics (formerly Invitae), Labcorp
Classification: Uncertain significance for Cystic fibrosis. Last evaluated: 2021-09-01. Review status: criteria provided, single submitter. Criteria: Invitae Variant Classification Sherloc (09022015). Collection method: clinical testing. Allele origin: germline.
Comment: This sequence change replaces asparagine with tyrosine at codon 396 of the CFTR protein (p.Asn396Tyr). The asparagine residue is moderately conserved and there is a large physicochemical difference between asparagine and tyrosine. This variant is present in population databases (rs753143757, ExAC 0.02%). This variant has not been reported in the literature in individuals affected with CFTR-related conditions. ClinVar contains an entry for this variant (Variation ID: 411126). Algorithms developed to predict the effect of missense changes on protein structure and function are either unavailable or do not agree on the potential impact of this missense change (SIFT: "Deleterious"; PolyPhen-2: "Benign"; Align-GVGD: "Class C15"). Algorithms developed to predict the effect of sequence changes on RNA splicing suggest that this variant may create or strengthen a splice site. In summary, the available evidence is currently insufficient to determine the role of this variant in disease. Therefore, it has been classified as a Variant of Uncertain Significance.

Ambry Genetics
Classification: Uncertain significance for Cystic fibrosis. Last evaluated: 2020-12-03. Review status: criteria provided, single submitter. Criteria: Ambry Variant Classification Scheme 2023. Collection method: clinical testing. Allele origin: germline.
Comment: The p.N396Y variant (also known as c.1186A>T), located in coding exon 9 of the CFTR gene, results from an A to T substitution at nucleotide position 1186. The asparagine at codon 396 is replaced by tyrosine, an amino acid with dissimilar properties. This amino acid position is well conserved in available vertebrate species. In addition, this alteration is predicted to be deleterious by in silico analysis. Since supporting evidence is limited at this time, the clinical significance of this alteration remains unclear.

Natera, Inc.
Classification: Uncertain significance for CFTR-related disorders. Last evaluated: 2018-12-08. Review status: no assertion criteria provided. Collection method: clinical testing. Allele origin: germline. Not counted in ClinVar's aggregate classification.